The following is an entry in ClinVar:

NM_004565.3(PEX14):c.1096C>T (p.Arg366Trp)

Gene: PEX14 (peroxisomal biogenesis factor 14; plus strand). Cytogenetic location: 1p36.22.
Variant type: single nucleotide variant.
Coding change: c.1096C>T on transcript NM_004565.3 (MANE Select); coding-DNA position 1096, C replaced by T.
Protein change: p.Arg366Trp; replaces arginine 366 with tryptophan.
Molecular consequence: missense variant.
Genome position (GRCh38, 1-based): chr1:10,629,949, C>T. VCF-style: chr1-10629949-C-T. GRCh37 (hg19) VCF-style: chr1-10690006-C-T.
Other names: short protein forms R366W.
Identifiers: ClinVar variation 3358278 (VCV003358278.1).

ClinVar aggregate classification (germline): Uncertain significance (0 of 4 stars; one submission).

Conditions:
PEX14-related disorder. Also called: PEX14-related condition.

gnomAD v4.1: 14 of 1,611,402 alleles (0.00087%); highest among the groups gnomAD compares: Admixed American, 0.005%; no homozygotes.

Submission:

PreventionGenetics, part of Exact Sciences
Classification: Uncertain significance for PEX14-related condition. Last evaluated: 2024-07-26. Review status: no assertion criteria provided. Collection method: clinical testing. Allele origin: germline.
Comment: The PEX14 c.1096C>T variant is predicted to result in the amino acid substitution p.Arg366Trp. To our knowledge, this variant has not been reported in the literature. This variant is reported in 0.020% of alleles in individuals of Ashkenazi Jewish descent in gnomAD. At this time, the clinical significance of this variant is uncertain due to the absence of conclusive functional and genetic evidence.